The following is an entry in ClinVar:

ClinVar aggregate classification (germline): Pathogenic (1 of 4 stars; one submission).

Conditions:
Alstrom syndrome (ALMS). Identifiers: Orphanet 64, MedGen C0268425, MONDO:0008763, OMIM 203800.

Submission:

Labcorp Genetics (formerly Invitae), Labcorp
Classification: Pathogenic for Alstrom syndrome. Last evaluated: 2020-08-14. Review status: criteria provided, single submitter. Criteria: Invitae Variant Classification Sherloc (09022015). Collection method: clinical testing. Allele origin: germline.
Comment: This sequence change creates a premature translational stop signal (p.Thr1176Asnfs*5) in the ALMS1 gene. It is expected to result in an absent or disrupted protein product. For these reasons, this variant has been classified as Pathogenic. Loss-of-function variants in ALMS1 are known to be pathogenic (PMID: 17594715). This variant has not been reported in the literature in individuals with ALMS1-related conditions. This variant is not present in population databases (ExAC no frequency).

Literature cited by the submitters: PubMed 17594715.

NM_001378454.1(ALMS1):c.3523dup (p.Thr1175fs)

Gene: ALMS1 (ALMS1 centrosome and basal body associated protein; plus strand). Cytogenetic location: 2p13.1.
Variant type: Duplication.
Coding change: c.3523dup on transcript NM_001378454.1 (MANE Select); coding-DNA position 3523, one base duplicated (A; older notation c.3523dupA).
Protein change: p.Thr1175fs; shifts the reading frame from threonine 1175.
Molecular consequence: frameshift variant.
Genome position (GRCh38, 1-based): chr2:73,450,050, A duplicated. VCF-style (leftmost placement, unchanged base first): chr2-73450049-T-TA. GRCh37 (hg19) VCF-style: chr2-73677176-T-TA.
Other names: c.3526dup, p.Thr1176fs (NM_015120.4); short protein forms T1175fs, T1176fs.
Identifiers: ClinVar variation 1072503 (VCV001072503.7), dbSNP rs2103779248, ClinGen allele CA2499216247.